The following is an entry in ClinVar:

NM_005902.4(SMAD3):c.306_308dup (p.Leu103dup)

Gene: SMAD3 (SMAD family member 3; plus strand). Cytogenetic location: 15q22.33.
Variant type: Duplication.
Coding change: c.306_308dup on transcript NM_005902.4 (MANE Select); coding-DNA positions 306 to 308, 3 bases duplicated (GCT; older notation c.306_308dupGCT).
Protein change: p.Leu103dup; duplicates leucine 103.
Molecular consequence: inframe insertion. On other transcripts: 5 prime UTR variant (1).
Genome position (GRCh38, 1-based): chr15:67,164,994-67,164,996, GCT duplicated. VCF-style (leftmost placement, unchanged base first): chr15-67164993-A-AGCT. GRCh37 (hg19) VCF-style: chr15-67457331-A-AGCT.
Other names: c.-10_-8dup (NM_001145102.2); c.174_176dup, p.Leu59dup (NM_001145103.2).
Identifiers: ClinVar variation 948477 (VCV000948477.9), dbSNP rs1962537774, ClinGen allele CA1139664043.

ClinVar aggregate classification (germline): Uncertain significance (1 of 4 stars; one submission).

Conditions:
Familial thoracic aortic aneurysm and aortic dissection (TAAD). Also called: Thoracic aortic aneurysms and dissections. Identifiers: Orphanet 91387, MedGen C4707243, MONDO:0019625.

Submission:

Labcorp Genetics (formerly Invitae), Labcorp
Classification: Uncertain significance for Familial thoracic aortic aneurysm and aortic dissection. Last evaluated: 2020-01-18. Review status: criteria provided, single submitter. Criteria: Invitae Variant Classification Sherloc (09022015). Collection method: clinical testing. Allele origin: germline.
Comment: In summary, the available evidence is currently insufficient to determine the role of this variant in disease. Therefore, it has been classified as a Variant of Uncertain Significance. This variant, c.306_308dup, results in the insertion of 1 amino acid(s) to the SMAD3 protein (p.Leu103dup), but otherwise preserves the integrity of the reading frame. This variant is not present in population databases (ExAC no frequency). This variant has not been reported in the literature in individuals with SMAD3-related conditions. Experimental studies and prediction algorithms are not available or were not evaluated for this variant, and the functional significance of the affected amino acid(s) is currently unknown.